The following is an entry in ClinVar:

ClinVar aggregate classification (germline): Likely pathogenic (1 of 4 stars; one submission).

Conditions:
Dilated cardiomyopathy 1G (CMD1G). Identifiers: Orphanet 154, MedGen C1858763, MONDO:0011400, OMIM 604145.
Autosomal recessive limb-girdle muscular dystrophy type 2J (LGMDR10). Also called: Limb-girdle muscular dystrophy, type 2J; MUSCULAR DYSTROPHY, LIMB-GIRDLE, AUTOSOMAL RECESSIVE 10. Identifiers: Orphanet 140922, MedGen C1837342, MONDO:0012127, OMIM 608807.

Submission:

Labcorp Genetics (formerly Invitae), Labcorp
Classification: Likely pathogenic for Dilated cardiomyopathy 1G; Autosomal recessive limb-girdle muscular dystrophy type 2J. Last evaluated: 2024-12-04. Review status: criteria provided, single submitter. Criteria: Invitae Variant Classification Sherloc (09022015). Collection method: clinical testing. Allele origin: germline.
Comment: This sequence change creates a premature translational stop signal (p.Val1018Cysfs*3) in the TTN gene. While this is not anticipated to result in nonsense mediated decay, it is expected to create a truncated TTN protein. This variant is not present in population databases (gnomAD no frequency). This variant has not been reported in the literature in individuals affected with TTN-related conditions. This variant is located in the Z band of TTN (PMID: 25589632). Truncating variants in this region have been reported in individuals affected with autosomal recessive centronuclear myopathy (PMID: 33449170, internal data). Truncating variants in this region have also been identified in individuals affected with autosomal dominant dilated cardiomyopathy and/or cardio-related conditions (PMID: 27869827, 32964742, internal data). In summary, the currently available evidence indicates that the variant is pathogenic, but additional data are needed to prove that conclusively. Therefore, this variant has been classified as Likely Pathogenic.

Literature cited by the submitters: PubMed 25589632; PubMed 33449170; PubMed 27869827; PubMed 32964742.

NM_001267550.2(TTN):c.3050dup (p.Val1018fs)

Gene: TTN (titin; minus strand). Cytogenetic location: 2q31.2.
Variant type: Duplication.
Coding change: c.3050dup on transcript NM_001267550.2 (MANE Select); coding-DNA position 3050, one base duplicated (C; older notation c.3050dupC).
Protein change: p.Val1018fs; shifts the reading frame from valine 1018.
Molecular consequence: frameshift variant.
Genome position (GRCh38, 1-based): chr2:178,782,856, G duplicated on the plus strand (C on the coding strand, the reverse complement: TTN is on the minus strand). VCF-style (leftmost placement, unchanged base first): chr2-178782855-A-AG. GRCh37 (hg19) VCF-style: chr2-179647582-A-AG.
Other names: c.3050dup, p.Val1018fs (NM_001256850.1, NM_133378.4, NM_133379.5); c.2912dup, p.Val972fs (NM_003319.4, NM_133432.3, NM_133437.4); short protein forms V1018fs, V972fs.
Identifiers: ClinVar variation 3759951 (VCV003759951.2).
Genomic context (GRCh38, chr2:178,782,855, plus strand): 5'-TGGCCACTAACCCTGCACAGCCAGATAGCAGGATGTGCTGACGGTTCCAGCCTCATTTAC[A>AG]GCACTGCAAGTAAATCGCCCGCTGTCTTCCGCAAATGCTTCGCGAATCATAAGACGAGCA-3'